The following is an entry in ClinVar:

NM_002626.6(PFKL):c.2086A>G (p.Lys696Glu)

Gene: PFKL (phosphofructokinase, liver type; plus strand). Cytogenetic location: 21q22.3.
Variant type: single nucleotide variant.
Coding change: c.2086A>G on transcript NM_002626.6 (MANE Select); coding-DNA position 2086, A replaced by G.
Protein change: p.Lys696Glu; replaces lysine 696 with glutamic acid.
Molecular consequence: missense variant.
Genome position (GRCh38, 1-based): chr21:44,326,057, A>G. VCF-style: chr21-44326057-A-G. GRCh37 (hg19) VCF-style: chr21-45745940-A-G.
Other names: c.2236A>G, p.Lys746Glu (NM_001002021.3); short protein forms K696E, K746E.
Identifiers: ClinVar variation 4977220 (VCV004977220.1).

ClinVar aggregate classification (germline): Likely benign (1 of 4 stars; one submission).

Conditions:
PFKL-related disorder. Also called: PFKL-related condition.

gnomAD v4.1: 2,021 of 1,613,452 alleles (0.13%); highest among the groups gnomAD compares: Non-Finnish European, 0.16%; 3 homozygotes.

Submission:

PreventionGenetics, part of Exact Sciences
Classification: Likely benign for PFKL-related condition. Last evaluated: 2026-07-09. Review status: criteria provided, single submitter. Criteria: ACMG Guidelines, 2015. Collection method: clinical testing. Allele origin: germline.
Comment: This variant is classified as likely benign based on ACMG/AMP sequence variant interpretation guidelines (Richards et al. 2015 PMID: 25741868, with internal and published modifications).